The following is an entry in ClinVar:

NM_001365902.3(NFIX):c.1252C>T (p.Gln418Ter)

Gene: NFIX (nuclear factor I X; plus strand). Cytogenetic location: 19p13.13.
Variant type: single nucleotide variant.
Coding change: c.1252C>T on transcript NM_001365902.3 (MANE Select); coding-DNA position 1252, C replaced by T.
Protein change: p.Gln418Ter; replaces glutamine 418 with a stop codon.
Molecular consequence: nonsense.
Genome position (GRCh38, 1-based): chr19:13,081,853, C>T. VCF-style: chr19-13081853-C-T. GRCh37 (hg19) VCF-style: chr19-13192667-C-T.
Other names: c.1276C>T, p.Gln426Ter (NM_001271043.2); c.1228C>T, p.Gln410Ter (NM_001271044.3, NM_001378404.1); c.1129C>T, p.Gln377Ter (NM_001365982.2); c.1111C>T, p.Gln371Ter (NM_001365983.2); c.1249C>T, p.Gln417Ter (NM_001365984.2, NM_001365985.2); c.1300C>T, p.Gln434Ter (NM_001378405.1); c.1252C>T, p.Gln418Ter (NM_002501.4); short protein forms Q371*, Q377*, Q410*, Q417*, Q418*, Q426*, Q434*.
Identifiers: ClinVar variation 1690792 (VCV001690792.2), dbSNP rs2145476583, ClinGen allele CA404304755.

ClinVar aggregate classification (germline): Likely pathogenic (1 of 4 stars; one submission).

Submission:

Laboratorio de Genetica e Diagnostico Molecular, Hospital Israelita Albert Einstein
Classification: Likely pathogenic. Last evaluated: 2020-02-05. Review status: criteria provided, single submitter. Criteria: ACMG Guidelines, 2015. Collection method: clinical testing. Allele origin: germline. Affected: yes.
Comment: ACMG classification criteria: PVS1, PM2